The following is an entry in ClinVar:

ClinVar aggregate classification (germline): Likely benign (1 of 4 stars; one submission).

gnomAD v4.1: 5 of 1,613,878 alleles (0.00031%); highest among the groups gnomAD compares: Non-Finnish European, 0.00042%; 1 homozygote.

Submission:

CeGaT Center for Human Genetics Tuebingen
Classification: Likely benign. Last evaluated: 2023-01-01. Review status: criteria provided, single submitter. Criteria: CeGaT Center For Human Genetics Tuebingen Variant Classification Criteria Version 2. Collection method: clinical testing. Allele origin: germline. Affected: yes. Observed: 1 variant allele.
Comment: SLC2A1: BP4, BP7

NM_006516.4(SLC2A1):c.588G>C (p.Pro196=)

Gene: SLC2A1 (solute carrier family 2 member 1; minus strand). Cytogenetic location: 1p34.2.
Variant type: single nucleotide variant.
Coding change: c.588G>C on transcript NM_006516.4 (MANE Select); coding-DNA position 588, G replaced by C.
Protein change: p.Pro196=; no amino-acid change (proline 196 retained).
Molecular consequence: synonymous variant.
Genome position (GRCh38, 1-based): chr1:42,929,964, C>G on the plus strand (G>C on the coding strand, the complement: SLC2A1 is on the minus strand). VCF-style: chr1-42929964-C-G. GRCh37 (hg19) VCF-style: chr1-43395635-C-G.
Identifiers: ClinVar variation 2638738 (VCV002638738.24), dbSNP rs2229682, ClinGen allele CA803494.